The following is an entry in ClinVar:

ClinVar aggregate classification (germline): Likely pathogenic (1 of 4 stars; one submission).

Conditions:
Cardiovascular phenotype. Identifiers: MedGen CN230736.

Submission:

Ambry Genetics
Classification: Likely pathogenic for Cardiovascular phenotype. Last evaluated: 2025-06-03. Review status: criteria provided, single submitter. Criteria: Ambry Variant Classification Scheme 2023. Collection method: clinical testing. Allele origin: germline.
Comment: The c.20827delC variant, located in coding exon 83 of the TTN gene, results from a deletion of one nucleotide at nucleotide position 20827, causing a translational frameshift with a predicted alternate stop codon (p.R6943Gfs*2). This exon is located in the A-band region of the N2-B isoform of the titin protein and is constitutively expressed in TTN transcripts (percent spliced in or PSI 100%). This variant is expected to result in loss of function by premature protein truncation or nonsense-mediated mRNA decay. While truncating variants in TTN are present in 1-3% of the general population, truncating variants in the A-band are the most common cause of dilated cardiomyopathy (Herman DS et al. N. Engl. J. Med., 2012 Feb;366:619-28; Roberts AM et al. Sci Transl Med, 2015 Jan;7:270ra6). TTN truncating variants encoded in constitutive exons (PSI >90%) have been found to be significantly associated with DCM regardless of their position in titin (Schafer S et al. Nat. Genet., 2017 01;49:46-53; Akhtar MM et al. Circ Heart Fail, 2020 Oct;13:e006832; Massier M et al. Clin Genet, 2025 Jan). This variant is considered to be rare based on population cohorts in the Genome Aggregation Database (gnomAD). Based on the majority of available evidence to date, this variant is likely to be pathogenic.

NM_001267550.2(TTN):c.48022del (p.Arg16008fs)

Genes: TTN (titin; minus strand), TTN-AS1 (TTN antisense RNA 1; plus strand). Cytogenetic location: 2q31.2.
Variant type: Deletion.
Coding change: c.48022del on transcript NM_001267550.2 (MANE Select); coding-DNA position 48022, one base deleted (C; older notation c.48022delC).
Protein change: p.Arg16008fs; shifts the reading frame from arginine 16008.
Molecular consequence: frameshift variant.
Genome position (GRCh38, 1-based): chr2:178,616,867, G deleted on the plus strand (C on the coding strand, the reverse complement: TTN is on the minus strand); the first of 2 consecutive G bases (chr2:178,616,867-178,616,868); deleting either gives the same sequence. VCF-style (leftmost placement, unchanged base first): chr2-178616866-CG-C. GRCh37 (hg19) VCF-style: chr2-179481593-CG-C.
Other names: c.43099del, p.Arg14367fs (NM_001256850.1); c.20827del, p.Arg6943fs (NM_003319.4); c.40318del, p.Arg13440fs (NM_133378.4); c.21202del, p.Arg7068fs (NM_133432.3); c.21403del, p.Arg7135fs (NM_133437.4); c.20827delC (NM_003319.4); short protein forms R16008fs, R13440fs, R6943fs, R7068fs, R14367fs, R7135fs.
Identifiers: ClinVar variation 3975835 (VCV003975835.1).